The following is an entry in ClinVar:

NM_013352.4(DSE):c.-59G>T

Genes: DSE (dermatan sulfate epimerase; plus strand), LOC100287467 (uncharacterized LOC100287467; minus strand), LOC123833529 (Sharpr-MPRA regulatory region 2122; plus strand). Cytogenetic location: 6q22.1.
Variant type: single nucleotide variant.
Coding change: c.-59G>T on transcript NM_013352.4 (MANE Select); 59 bases upstream of the start codon, G replaced by T.
Molecular consequence: 5 prime UTR variant. On other transcripts: non-coding transcript variant (1), intron variant (5).
Genome position (GRCh38, 1-based): chr6:116,371,116, G>T. VCF-style: chr6-116371116-G-T. GRCh37 (hg19) VCF-style: chr6-116692279-G-T.
Other names: c.-616G>T (NM_001322941.2); c.-59G>T (NM_001322943.2, NM_001322944.2); c.-53-28082G>T (NM_001322937.2, NM_001322938.2, NM_001080976.3); c.-610-28082G>T (NM_001322940.2); c.4+1189G>T (NM_001322939.2).
Identifiers: ClinVar variation 509963 (VCV000509963.1), dbSNP rs995104131, ClinGen allele CA146388230.

ClinVar aggregate classification (germline): Likely benign (1 of 4 stars; one submission).

Allele frequency attached by ClinVar (database versions not stated): gnomAD 0.00001 and 0.00005; TOPMed 0.00002; gnomAD exomes 0.00012; 1000 Genomes Project 30x 0.00016.
gnomAD v4.1: 108 of 986,244 alleles (0.011%); highest among the groups gnomAD compares: African/African-American, 0.014%; no homozygotes.

Submission:

GeneDx
Classification: Likely benign. Last evaluated: 2017-06-01. Review status: criteria provided, single submitter. Criteria: GeneDx Variant Classification (06012015). Collection method: clinical testing. Allele origin: germline. Affected: yes.
Comment: This variant is considered likely benign or benign based on one or more of the following criteria: it is a conservative change, it occurs at a poorly conserved position in the protein, it is predicted to be benign by multiple in silico algorithms, and/or has population frequency not consistent with disease.